The following is an entry in ClinVar:

ClinVar aggregate classification (germline): Uncertain significance. Review status: criteria provided, multiple submitters, no conflicts (2 of 4 stars). 2 submissions from 2 submitters: Uncertain significance (2). Last evaluated 2022-06-01.

Conditions:
Epilepsy, early-onset, with or without developmental delay. Identifiers: MedGen C5882670, MONDO:0030005, OMIM 618832.

Allele frequency attached by ClinVar (database versions not stated): gnomAD 0.00001; gnomAD exomes 0.00002; TOPMed 0.00002.
gnomAD v4.1: 23 of 1,601,876 alleles (0.0014%); highest among the groups gnomAD compares: Admixed American, 0.0035%; no homozygotes.

Submissions (2):

CeGaT Center for Human Genetics Tuebingen
Classification: Uncertain significance. Last evaluated: 2022-06-01. Review status: criteria provided, single submitter. Criteria: CeGaT Center For Human Genetics Tuebingen Variant Classification Criteria Version 2. Collection method: clinical testing. Allele origin: germline. Affected: yes. Observed: 1 variant allele.

New York Genome Center
Classification: Uncertain significance for Epilepsy, early-onset, with or without developmental delay. Last evaluated: 2020-06-05. Review status: criteria provided, single submitter. Criteria: NYGC Assertion Criteria 2020. Collection method: clinical testing. Allele origin: germline. Observed: 1 heterozygote. Study: CSER-NYCKidSeq.
Comment: The heterozygous missense variant, p.Val1225Leu, identified in SETD1A has not been reported in affected individuals in the literature. It is extremely rare in the gnomAD(v3) database(1 out of ~143,200 heterozygous alleles, no homozygotes). In silico tools provide conflicting interpretations about potential pathogenicity of this variant. Based on the available evidence, the heterozygous p.Val1225Leu variant in the SETD1A is assessed as a variant of uncertain significance.

NM_014712.3(SETD1A):c.3673G>T (p.Val1225Leu)

Gene: SETD1A (SET domain containing 1A, histone lysine methyltransferase; plus strand). Cytogenetic location: 16p11.2.
Variant type: single nucleotide variant.
Coding change: c.3673G>T on transcript NM_014712.3 (MANE Select); coding-DNA position 3673, G replaced by T.
Protein change: p.Val1225Leu; replaces valine 1225 with leucine.
Molecular consequence: missense variant.
Genome position (GRCh38, 1-based): chr16:30,979,459, G>T. VCF-style: chr16-30979459-G-T. GRCh37 (hg19) VCF-style: chr16-30990780-G-T.
Other names: short protein forms V1225L.
Identifiers: ClinVar variation 1341796 (VCV001341796.32), dbSNP rs1454213113, ClinGen allele CA395627699.
Genomic context (GRCh38, chr16:30,979,459, plus strand): 5'-CGGACCATCCGCAACCTGCCCCTGGACCACGCATCTCTGGTCAAGAGTTGGCCCGAGGAG[G>T]TGTCCCGAGGAGGCCGGAGCCGGGCTGGAGGCCGAGGCCGCCTCACCGAGGAAGAGGAGG-3'
Protein context (NP_055527.1, residues 1215-1235): ASLVKSWPEE[Val1225Leu]SRGGRSRAGG